The following is an entry in ClinVar:

NM_000059.4(BRCA2):c.8735C>T (p.Ala2912Val)

Gene: BRCA2 (BRCA2 DNA repair associated; plus strand). Cytogenetic location: 13q13.1.
Variant type: single nucleotide variant.
Coding change: c.8735C>T on transcript NM_000059.4 (MANE Select); coding-DNA position 8735, C replaced by T.
Protein change: p.Ala2912Val; replaces alanine 2912 with valine.
Molecular consequence: missense variant.
Genome position (GRCh38, 1-based): chr13:32,376,772, C>T. VCF-style: chr13-32376772-C-T. GRCh37 (hg19) VCF-style: chr13-32950909-C-T.
Other names: short protein forms A2912V.
Identifiers: ClinVar variation 974996 (VCV000974996.5), dbSNP rs2072876151, ClinGen allele CA387755019.

ClinVar aggregate classification (germline): Conflicting classifications of pathogenicity. Review status: criteria provided, conflicting classifications (1 of 4 stars). 3 submissions from 3 submitters: Uncertain significance (2); Benign (1). Last evaluated 2025-10-14.

Conditions:
Hereditary cancer-predisposing syndrome. Also called: Hereditary Cancer Syndrome; Hereditary neoplastic syndrome; Tumor predisposition; Neoplastic Syndromes, Hereditary. Identifiers: Orphanet 140162, MedGen C0027672, MeSH D009386, MONDO:0015356.
Hereditary breast ovarian cancer syndrome. Also called: Breast and ovarian cancer; Hereditary breast and ovarian cancer; Hereditary breast and ovarian cancer syndrome; Hereditary breast and ovarian cancer syndrome (HBOC); BRCA1- and BRCA2-Associated Hereditary Breast and Ovarian Cancer; Hereditary breast and/or ovarian cancer syndrome. Identifiers: Orphanet 145, MedGen C0677776, MeSH D061325, MONDO:0003582. Disease mechanism: loss of function.

Submissions (3):

Labcorp Genetics (formerly Invitae), Labcorp
Classification: Uncertain significance for Hereditary breast ovarian cancer syndrome. Last evaluated: 2025-10-14. Review status: criteria provided, single submitter. Criteria: Invitae Variant Classification Sherloc (09022015). Collection method: clinical testing. Allele origin: germline.
Comment: This sequence change replaces alanine, which is neutral and non-polar, with valine, which is neutral and non-polar, at codon 2912 of the BRCA2 protein (p.Ala2912Val). This variant is not present in population databases (gnomAD no frequency). This missense change has been observed in individual(s) with ovarian cancer (PMID: 30651582). ClinVar contains an entry for this variant (Variation ID: 974996). Invitae Evidence Modeling of protein sequence and biophysical properties (such as structural, functional, and spatial information, amino acid conservation, physicochemical variation, residue mobility, and thermodynamic stability) indicates that this missense variant is not expected to disrupt BRCA2 protein function with a negative predictive value of 95%. In summary, the available evidence is currently insufficient to determine the role of this variant in disease. Therefore, it has been classified as a Variant of Uncertain Significance.

Ambry Genetics
Classification: Benign for Hereditary cancer-predisposing syndrome. Last evaluated: 2025-05-19. Review status: criteria provided, single submitter. Criteria: Ambry Variant Classification Scheme 2023. Collection method: clinical testing. Allele origin: germline.

Women's Health and Genetics/Laboratory Corporation of America, LabCorp
Classification: Uncertain significance. Last evaluated: 2020-07-27. Review status: criteria provided, single submitter. Criteria: LabCorp Variant Classification Summary - May 2015. Collection method: clinical testing. Allele origin: germline.
Comment: Variant summary: BRCA2 c.8735C>T (p.Ala2912Val) results in a non-conservative amino acid change in the encoded protein sequence. Three of five in-silico tools predict a benign effect of the variant on protein function. The variant was absent in 251192 control chromosomes. The available data on variant occurrences in the general population are insufficient to allow any conclusion about variant significance. c.8735C>T has been reported in the literature in individuals affected with pediatric rare disease and high grade serous ovarian cancer (example, Chirita_Emandi_2020, Krivokuca_2019). These report(s) do not provide unequivocal conclusions about association of the variant with Hereditary Breast And Ovarian Cancer Syndrome. To our knowledge, no experimental evidence demonstrating an impact on protein function has been reported. No clinical diagnostic laboratories have submitted clinical-significance assessments for this variant to ClinVar after 2014. Based on the evidence outlined above, the variant was classified as uncertain significance.

Literature cited by the submitters: PubMed 30651582 (cited by 3 submitters); PubMed 31937788 (cited by Women's Health and Genetics/Laboratory Corporation of America, LabCorp).